The following is an entry in ClinVar:

NM_022167.4(XYLT2):c.2391C>T (p.Ala797=)

Gene: XYLT2 (xylosyltransferase 2; plus strand). Cytogenetic location: 17q21.33.
Variant type: single nucleotide variant.
Coding change: c.2391C>T on transcript NM_022167.4 (MANE Select); coding-DNA position 2391, C replaced by T.
Protein change: p.Ala797=; no amino-acid change (alanine 797 retained).
Molecular consequence: synonymous variant.
Genome position (GRCh38, 1-based): chr17:50,360,084, C>T. VCF-style: chr17-50360084-C-T. GRCh37 (hg19) VCF-style: chr17-48437445-C-T.
Identifiers: ClinVar variation 708827 (VCV000708827.17), dbSNP rs141527159, ClinGen allele CA8646729.

ClinVar aggregate classification (germline): Likely benign. Review status: criteria provided, multiple submitters, no conflicts (2 of 4 stars). 5 submissions from 5 submitters: Likely benign (4). 1 of the submissions does not count toward it. Last evaluated 2025-12-30.

Conditions:
Osteogenesis imperfecta (OI). Identifiers: Orphanet 666, MedGen C0029434, MeSH D010013, MONDO:0019019.
XYLT2-related disorder. Also called: XYLT2-related condition.

Allele frequency attached by ClinVar (database versions not stated): gnomAD 0.00078 and 0.00081; TOPMed 0.00083; ExAC 0.00088; gnomAD exomes 0.00089 and 0.00140; 1000 Genomes Project 30x 0.00094; 1000 Genomes Project 0.00100; ESP Exome Variant Server 0.00100.
gnomAD v4.1: 2,134 of 1,613,944 alleles (0.13%); highest among the groups gnomAD compares: Non-Finnish European, 0.17%; 5 homozygotes.

Submissions (5):

Labcorp Genetics (formerly Invitae), Labcorp
Classification: Likely benign. Last evaluated: 2025-12-30. Review status: criteria provided, single submitter. Criteria: Invitae Variant Classification Sherloc (09022015). Collection method: clinical testing. Allele origin: germline.

Blueprint Genetics
Classification: Likely benign. Last evaluated: 2024-11-21. Review status: criteria provided, single submitter. Criteria: ACMG Guidelines, 2015. Collection method: clinical testing. Allele origin: germline.

Genome Diagnostics Laboratory, The Hospital for Sick Children
Classification: Likely benign for Osteogenesis imperfecta. Last evaluated: 2019-06-01. Review status: criteria provided, single submitter. Criteria: ACMG Guidelines, 2015. Collection method: clinical testing. Allele origin: germline.

Breakthrough Genomics
Classification: Likely benign. Review status: criteria provided, single submitter. Criteria: ACMG Guidelines, 2015. Collection method: not provided. Allele origin: germline. Inheritance: Autosomal recessive inheritance. Affected: yes.

PreventionGenetics, part of Exact Sciences
Classification: Likely benign for XYLT2-related condition. Last evaluated: 2019-03-26. Review status: no assertion criteria provided. Collection method: clinical testing. Allele origin: germline. Not counted in ClinVar's aggregate classification.
Comment: This variant is classified as likely benign based on ACMG/AMP sequence variant interpretation guidelines (Richards et al. 2015 PMID: 25741868, with internal and published modifications).